The following is an entry in ClinVar:

NM_003384.3(VRK1):c.810T>A (p.Tyr270Ter)

Gene: VRK1 (VRK serine/threonine kinase 1; plus strand). Cytogenetic location: 14q32.2.
Variant type: single nucleotide variant.
Coding change: c.810T>A on transcript NM_003384.3 (MANE Select); coding-DNA position 810, T replaced by A.
Protein change: p.Tyr270Ter; replaces tyrosine 270 with a stop codon.
Molecular consequence: nonsense.
Genome position (GRCh38, 1-based): chr14:96,856,230, T>A. VCF-style: chr14-96856230-T-A. GRCh37 (hg19) VCF-style: chr14-97322567-T-A.
Other names: c.810T>A, p.Tyr270Ter (NM_001411051.1, NM_001411053.1); short protein forms Y270*.
Identifiers: ClinVar variation 5013750 (VCV005013750.1).

ClinVar aggregate classification (germline): Pathogenic (1 of 4 stars; one submission).

Conditions:
Pontocerebellar hypoplasia type 1A (PCH1A). Also called: PONTOCEREBELLAR HYPOPLASIA WITH ANTERIOR HORN CELL DISEASE; PONTOCEREBELLAR HYPOPLASIA WITH INFANTILE SPINAL MUSCULAR ATROPHY. Identifiers: Orphanet 2254, Orphanet 88616, MedGen C1843504, MONDO:0011866, OMIM 607596.

Submission:

Myriad Genetics, Inc.
Classification: Pathogenic for Pontocerebellar hypoplasia type 1A. Last evaluated: 2024-11-13. Review status: criteria provided, single submitter. Criteria: Myriad Autosomal Dominant, Autosomal Recessive and X-Linked Classification Criteria (2023). Collection method: clinical testing. Allele origin: unknown.
Comment: NM_003384.2(VRK1):c.810T>A(Y270*) is expected to be pathogenic in the context of pontocerebellar hypoplasia, VRK1-related. This variant is predicted to lead to an abnormal or absent protein product due to the creation of a premature termination codon in VRK1, a gene where loss-of-function variants are known to be pathogenic. Please note: this variant was assessed in the context of healthy population screening.